The following is an entry in ClinVar:

ClinVar aggregate classification (germline): Uncertain significance. Review status: criteria provided, multiple submitters, no conflicts (2 of 4 stars). 3 submissions from 3 submitters: Uncertain significance (3). Last evaluated 2024-10-15.

Conditions:
Inborn genetic diseases. Identifiers: MedGen C0950123, MeSH D030342.

Allele frequency attached by ClinVar (database versions not stated): ExAC 0.00005; gnomAD 0.00011.

Submissions (3):

Blueprint Genetics
Classification: Uncertain significance. Last evaluated: 2024-10-15. Review status: criteria provided, single submitter. Criteria: ACMG Guidelines, 2015. Collection method: clinical testing. Allele origin: germline.

Labcorp Genetics (formerly Invitae), Labcorp
Classification: Uncertain significance. Last evaluated: 2021-10-05. Review status: criteria provided, single submitter. Criteria: Invitae Variant Classification Sherloc (09022015). Collection method: clinical testing. Allele origin: germline.
Comment: This sequence change replaces methionine with leucine at codon 1605 of the LOXHD1 protein (p.Met1605Leu). The methionine residue is moderately conserved and there is a small physicochemical difference between methionine and leucine. This variant is present in population databases (rs747969850, ExAC 0.01%). This variant has not been reported in the literature in individuals affected with LOXHD1-related conditions. Algorithms developed to predict the effect of missense changes on protein structure and function are either unavailable or do not agree on the potential impact of this missense change (SIFT: "Tolerated"; PolyPhen-2: "Possibly Damaging"; Align-GVGD: "Class C0"). In summary, the available evidence is currently insufficient to determine the role of this variant in disease. Therefore, it has been classified as a Variant of Uncertain Significance.

Ambry Genetics
Classification: Uncertain significance for Inborn genetic diseases. Last evaluated: 2021-08-02. Review status: criteria provided, single submitter. Criteria: Ambry Variant Classification Scheme 2023. Collection method: clinical testing. Allele origin: germline.

NM_001384474.1(LOXHD1):c.4813A>T (p.Met1605Leu)

Gene: LOXHD1 (lipoxygenase homology PLAT domains 1; minus strand). Cytogenetic location: 18q21.1.
Variant type: single nucleotide variant.
Coding change: c.4813A>T on transcript NM_001384474.1 (MANE Select); coding-DNA position 4813, A replaced by T.
Protein change: p.Met1605Leu; replaces methionine 1605 with leucine.
Molecular consequence: missense variant.
Genome position (GRCh38, 1-based): chr18:46,524,529, T>A on the plus strand (A>T on the coding strand, the complement: LOXHD1 is on the minus strand). VCF-style: chr18-46524529-T-A. GRCh37 (hg19) VCF-style: chr18-44104492-T-A.
Other names: c.4813A>T (NM_144612.6); c.1480A>T, p.Met494Leu (NM_001145472.3); c.1192A>T, p.Met398Leu (NM_001308013.2); c.4813A>T, p.Met1605Leu (NM_144612.7); short protein forms M398L, M1605L, M494L.
Identifiers: ClinVar variation 2145830 (VCV002145830.3), dbSNP rs747969850, ClinGen allele CA8952293.